The following is an entry in ClinVar:

ClinVar aggregate classification (germline): Uncertain significance (1 of 4 stars; one submission).

Conditions:
Dilated cardiomyopathy 1W (CMD1W). Identifiers: Orphanet 154, MedGen C1969639, MONDO:0012667, OMIM 611407.

Submission:

Labcorp Genetics (formerly Invitae), Labcorp
Classification: Uncertain significance for Dilated cardiomyopathy 1W. Last evaluated: 2024-09-08. Review status: criteria provided, single submitter. Criteria: Invitae Variant Classification Sherloc (09022015). Collection method: clinical testing. Allele origin: germline.
Comment: This sequence change affects an acceptor splice site in intron 8 of the VCL gene. It is expected to disrupt RNA splicing. Variants that disrupt the donor or acceptor splice site typically lead to a loss of protein function (PMID: 16199547), however the current clinical and genetic evidence is not sufficient to establish whether loss-of-function variants in VCL cause disease. This variant is not present in population databases (gnomAD no frequency). This variant has not been reported in the literature in individuals affected with VCL-related conditions. Algorithms developed to predict the effect of sequence changes on RNA splicing suggest that this variant may disrupt the consensus splice site. In summary, the available evidence is currently insufficient to determine the role of this variant in disease. Therefore, it has been classified as a Variant of Uncertain Significance.

Literature cited by the submitters: PubMed 16199547.

NM_014000.3(VCL):c.1023-2A>T

Gene: VCL (vinculin; plus strand). Cytogenetic location: 10q22.2.
Variant type: single nucleotide variant.
Coding change: c.1023-2A>T on transcript NM_014000.3 (MANE Select); the canonical splice acceptor site of the intron before coding-DNA position 1023, A replaced by T.
Molecular consequence: splice acceptor variant.
Genome position (GRCh38, 1-based): chr10:74,089,194, A>T. VCF-style: chr10-74089194-A-T. GRCh37 (hg19) VCF-style: chr10-75848952-A-T.
Other names: c.1023-2A>T (NM_003373.4).
Identifiers: ClinVar variation 3666545 (VCV003666545.2).
Genomic context (GRCh38, chr10:74,089,194, plus strand): 5'-GGAATATTTTGTCATTAAGTATTTGAGGGTGTACAATGACAGCATGTGTCTGTTTTGAGC[A>T]GAGGACAAGGATCCTCACCGGTGGCCATGCAGAAAGCTCAGCAGGTATCTCAGGGTCTGG-3'